The following is an entry in ClinVar:

ClinVar aggregate classification (germline): Uncertain significance (1 of 4 stars; one submission).

Conditions:
Autosomal dominant nonsyndromic hearing loss 65. Also called: Deafness, autosomal dominant 65; TBC1D24-Related Autosomal Dominant Nonsyndromic Hearing Loss (DFNA). Identifiers: Orphanet 90635, MedGen C3892048, MONDO:0014470, OMIM 616044.
Developmental and epileptic encephalopathy, 1 (DEE1). Also called: INFANTILE SPASM SYNDROME, X-LINKED 1; X-linked infantile spasms; West's syndrome; Tonic spasms with clustering, arrest of psychomotor development and hypsarrhythmia on EEG; X-Linked Infantile Spasm Syndrome; OHTAHARA SYNDROME, X-LINKED. Identifiers: MedGen C3463992, MONDO:0010632, OMIM 308350. Disease mechanism: loss of function.

Submission:

Labcorp Genetics (formerly Invitae), Labcorp
Classification: Uncertain significance for Developmental and epileptic encephalopathy, 1; Autosomal dominant nonsyndromic hearing loss 65. Last evaluated: 2024-03-13. Review status: criteria provided, single submitter. Criteria: Invitae Variant Classification Sherloc (09022015). Collection method: clinical testing. Allele origin: germline.
Comment: This sequence change replaces asparagine, which is neutral and polar, with threonine, which is neutral and polar, at codon 98 of the TBC1D24 protein (p.Asn98Thr). This variant is not present in population databases (gnomAD no frequency). This variant has not been reported in the literature in individuals affected with TBC1D24-related conditions. Advanced modeling of protein sequence and biophysical properties (such as structural, functional, and spatial information, amino acid conservation, physicochemical variation, residue mobility, and thermodynamic stability) performed at Invitae indicates that this missense variant is not expected to disrupt TBC1D24 protein function with a negative predictive value of 80%. In summary, the available evidence is currently insufficient to determine the role of this variant in disease. Therefore, it has been classified as a Variant of Uncertain Significance.

NM_001199107.2(TBC1D24):c.293A>C (p.Asn98Thr)

Gene: TBC1D24 (TBC1 domain family member 24; plus strand). Cytogenetic location: 16p13.3.
Variant type: single nucleotide variant.
Coding change: c.293A>C on transcript NM_001199107.2 (MANE Select); coding-DNA position 293, A replaced by C.
Protein change: p.Asn98Thr; replaces asparagine 98 with threonine.
Molecular consequence: missense variant.
Genome position (GRCh38, 1-based): chr16:2,496,441, A>C. VCF-style: chr16-2496441-A-C. GRCh37 (hg19) VCF-style: chr16-2546442-A-C.
Other names: c.293A>C, p.Asn98Thr (NM_020705.3); short protein forms N98T.
Identifiers: ClinVar variation 3750820 (VCV003750820.2).